The following is an entry in ClinVar:

NM_001003694.2(BRPF1):c.3G>A (p.Met1Ile)

Gene: BRPF1 (bromodomain and PHD finger containing 1; plus strand). Cytogenetic location: 3p25.3.
Variant type: single nucleotide variant.
Coding change: c.3G>A on transcript NM_001003694.2 (MANE Select); coding-DNA position 3, G replaced by A.
Protein change: p.Met1Ile; changes the start codon (methionine 1).
Molecular consequence: missense variant, initiator codon variant. On other transcripts: non-coding transcript variant (1).
Genome position (GRCh38, 1-based): chr3:9,734,143, G>A. VCF-style: chr3-9734143-G-A. GRCh37 (hg19) VCF-style: chr3-9775827-G-A.
Other names: c.3G>A, p.Met1Ile (NM_001319049.2, NM_001319050.2, NM_004634.3); short protein forms M1I.
Identifiers: ClinVar variation 489079 (VCV000489079.4), dbSNP rs1553693702, ClinGen allele CA351678676.

ClinVar aggregate classification (germline): Pathogenic (1 of 4 stars; one submission).

Submission:

GeneDx
Classification: Pathogenic. Last evaluated: 2019-05-29. Review status: criteria provided, single submitter. Criteria: GeneDx Variant Classification Process June 2021. Collection method: clinical testing. Allele origin: germline. Affected: yes.
Comment: Initiation codon variant in a gene for which loss-of-function is a known mechanism of disease; Not observed in large population cohorts (Lek et al., 2016); Has not been previously published as pathogenic or benign to our knowledge